The following is an entry in ClinVar:

ClinVar aggregate classification (germline): Benign/Likely benign. Review status: criteria provided, multiple submitters, no conflicts (2 of 4 stars). 18 submissions from 15 submitters: Benign (7); Likely benign (8). 3 of the submissions do not count toward it. Last evaluated 2026-09-01.

Conditions:
Congenital myopathy 18. Also called: Myopathy, congenital, due to dihydropyridine receptor defect; DIHYDROPYRIDINE RECEPTOR CONGENITAL MYOPATHY; DHPR CONGENITAL MYOPATHY. Identifiers: MedGen C5830283, MONDO:0859514, OMIM 620246.
Malignant hyperthermia, susceptibility to, 5 (MHS5). Also called: CACNA1S-Related Malignant Hyperthermia Susceptibility. Identifiers: Orphanet 423, MedGen C1866077, MONDO:0011163, OMIM 601887.
Hypokalemic periodic paralysis, type 1. Also called: Hypokalemic Periodic Paralysis Type 1 (AD); HypoPP. Identifiers: Orphanet 681, MedGen C3714580, MONDO:0042979, OMIM 170400.
Thyrotoxic periodic paralysis, susceptibility to, 1 (TTPP1). Identifiers: Orphanet 79102, MedGen C2749982, MONDO:0008570, OMIM 188580.

Allele frequency attached by ClinVar (database versions not stated): 1000 Genomes Project 0.00379; 1000 Genomes Project 30x 0.00390; TOPMed 0.00769; ESP Exome Variant Server 0.00777.

Submissions (18):

CeGaT Center for Human Genetics Tuebingen
Classification: Benign. Last evaluated: 2026-09-01. Review status: criteria provided, single submitter. Criteria: CeGaT Center For Human Genetics Tuebingen Variant Classification Criteria Version 2. Collection method: clinical testing. Allele origin: germline. Affected: yes. Observed: 80 variant alleles.
Comment: CACNA1S: BS1, BS2

Labcorp Genetics (formerly Invitae), Labcorp
Classification: Benign for Hypokalemic periodic paralysis, type 1; Malignant hyperthermia, susceptibility to, 5. Last evaluated: 2026-02-01. Review status: criteria provided, single submitter. Criteria: Invitae Variant Classification Sherloc (09022015). Collection method: clinical testing. Allele origin: germline.

Blueprint Genetics
Classification: Likely benign. Last evaluated: 2024-11-26. Review status: criteria provided, single submitter. Criteria: ACMG Guidelines, 2015. Collection method: clinical testing. Allele origin: germline.

ARUP Laboratories, Molecular Genetics and Genomics, ARUP Laboratories
Classification: Benign. Last evaluated: 2023-10-09. Review status: criteria provided, single submitter. Criteria: ARUP Molecular Germline Variant Investigation Process 2024. Collection method: clinical testing. Allele origin: germline.

Genome-Nilou Lab
Classification: Likely benign for Malignant hyperthermia, susceptibility to, 5. Last evaluated: 2023-04-11. Review status: criteria provided, single submitter. Criteria: ACMG Guidelines, 2015. Collection method: clinical testing. Allele origin: germline. Affected: no.

Genome-Nilou Lab
Classification: Likely benign for Thyrotoxic periodic paralysis, susceptibility to, 1. Last evaluated: 2023-04-11. Review status: criteria provided, single submitter. Criteria: ACMG Guidelines, 2015. Collection method: clinical testing. Allele origin: germline. Affected: no.

Genome-Nilou Lab
Classification: Likely benign for Congenital myopathy 18. Last evaluated: 2023-04-11. Review status: criteria provided, single submitter. Criteria: ACMG Guidelines, 2015. Collection method: clinical testing. Allele origin: germline. Affected: no.

Genome-Nilou Lab
Classification: Likely benign for Hypokalemic periodic paralysis, type 1. Last evaluated: 2023-04-11. Review status: criteria provided, single submitter. Criteria: ACMG Guidelines, 2015. Collection method: clinical testing. Allele origin: germline. Affected: no.

Mayo Clinic Laboratories, Mayo Clinic
Classification: Benign. Last evaluated: 2019-07-19. Review status: criteria provided, single submitter. Criteria: ACMG Guidelines, 2015. Collection method: clinical testing. Allele origin: germline. Observed: 9 variant alleles.

Color Diagnostics, LLC DBA Color Health
Classification: Likely benign for Malignant hyperthermia, susceptibility to, 5. Last evaluated: 2018-03-05. Review status: criteria provided, single submitter. Criteria: ACMG Guidelines, 2015. Collection method: clinical testing. Allele origin: germline.

Illumina Laboratory Services, Illumina
Classification: Benign for Hypokalemic periodic paralysis, type 1. Last evaluated: 2018-01-13. Review status: criteria provided, single submitter. Criteria: ICSL Variant Classification Criteria 13 December 2019. Collection method: clinical testing. Allele origin: germline.
Comment: This variant was observed in the ICSL laboratory as part of a predisposition screen in an ostensibly healthy population. It had not been previously curated by ICSL or reported in the Human Gene Mutation Database (HGMD: prior to June 1st, 2018), and was therefore a candidate for classification through an automated scoring system. Utilizing variant allele frequency, disease prevalence and penetrance estimates, and inheritance mode, an automated score was calculated to assess if this variant is too frequent to cause the disease. Based on the score and internal cut-off values, a variant classified as benign is not then subjected to further curation. The score for this variant resulted in a classification of benign for this disease.

Athena Diagnostics
Classification: Benign. Last evaluated: 2017-08-30. Review status: criteria provided, single submitter. Criteria: Athena Diagnostics Criteria. Collection method: clinical testing. Allele origin: germline.

GeneDx
Classification: Benign. Last evaluated: 2016-02-26. Review status: criteria provided, single submitter. Criteria: GeneDx Variant Classification (06012015). Collection method: clinical testing. Allele origin: germline. Affected: yes.
Comment: This variant is considered likely benign or benign based on one or more of the following criteria: it is a conservative change, it occurs at a poorly conserved position in the protein, it is predicted to be benign by multiple in silico algorithms, and/or has population frequency not consistent with disease.

Breakthrough Genomics
Classification: Likely benign. Review status: criteria provided, single submitter. Criteria: ACMG Guidelines, 2015. Collection method: not provided. Allele origin: germline. Inheritance: Autosomal dominant inheritance. Affected: yes.

PreventionGenetics, part of Exact Sciences
Classification: Likely benign. Review status: criteria provided, single submitter. Criteria: ACMG Guidelines, 2015. Collection method: clinical testing. Allele origin: germline.

Genome Diagnostics Laboratory, University Medical Center Utrecht
Classification: Likely benign. Review status: no assertion criteria provided. Collection method: clinical testing. Allele origin: germline. Affected: yes. Study: VKGL Data-share Consensus. Not counted in ClinVar's aggregate classification.

Joint Genome Diagnostic Labs from Nijmegen and Maastricht, Radboudumc and MUMC+
Classification: Benign. Review status: no assertion criteria provided. Collection method: clinical testing. Allele origin: germline. Affected: yes. Study: VKGL Data-share Consensus. Not counted in ClinVar's aggregate classification.

Laboratory of Diagnostic Genome Analysis, Leiden University Medical Center (LUMC)
Classification: Likely benign. Review status: no assertion criteria provided. Collection method: clinical testing. Allele origin: germline. Affected: yes. Study: VKGL Data-share Consensus. Not counted in ClinVar's aggregate classification.

Literature cited by the submitters: PubMed 19825159 (cited by Athena Diagnostics); PubMed 24195946 (cited by Athena Diagnostics); PubMed 28008999 (cited by Athena Diagnostics); PubMed 25735680 (cited by Athena Diagnostics).

NM_000069.3(CACNA1S):c.773G>A (p.Gly258Asp)

Gene: CACNA1S (calcium voltage-gated channel subunit alpha1 S; minus strand). Cytogenetic location: 1q32.1.
Variant type: single nucleotide variant.
Coding change: c.773G>A on transcript NM_000069.3 (MANE Select); coding-DNA position 773, G replaced by A.
Protein change: p.Gly258Asp; replaces glycine 258 with aspartic acid.
Molecular consequence: missense variant.
Genome position (GRCh38, 1-based): chr1:201,089,385, C>T on the plus strand (G>A on the coding strand, the complement: CACNA1S is on the minus strand). VCF-style: chr1-201089385-C-T. GRCh37 (hg19) VCF-style: chr1-201058513-C-T.
Other names: p.Gly258Asp; short protein forms G258D.
Identifiers: ClinVar variation 254853 (VCV000254853.57), dbSNP rs35534614, ClinGen allele CA083996.